The following is an entry in ClinVar:

NM_022489.4(INF2):c.341G>A (p.Gly114Asp)

Gene: INF2 (inverted formin 2; plus strand). Cytogenetic location: 14q32.33.
Variant type: single nucleotide variant.
Coding change: c.341G>A on transcript NM_022489.4 (MANE Select); coding-DNA position 341, G replaced by A.
Protein change: p.Gly114Asp; replaces glycine 114 with aspartic acid.
Molecular consequence: missense variant.
Genome position (GRCh38, 1-based): chr14:104,701,706, G>A. VCF-style: chr14-104701706-G-A. GRCh37 (hg19) VCF-style: chr14-105168043-G-A.
Other names: c.341G>A, p.Gly114Asp (NM_001031714.4, NM_032714.3); short protein forms G114D.
Identifiers: ClinVar variation 637704 (VCV000637704.9), dbSNP rs1595164091, ClinGen allele CA391225918.

ClinVar aggregate classification (germline): Pathogenic. Review status: criteria provided, single submitter (1 of 4 stars). 2 submissions from 2 submitters: Pathogenic (1). 1 of the submissions does not count toward it. Last evaluated 2026-01-27.

Conditions:
Focal segmental glomerulosclerosis 5 (FSGS5). Identifiers: Orphanet 656, MedGen C2750475, MONDO:0013191, OMIM 613237.
Charcot-Marie-Tooth disease dominant intermediate E. Also called: CHARCOT-MARIE-TOOTH NEUROPATHY WITH FOCAL SEGMENTAL GLOMERULONEPHRITIS. Identifiers: Orphanet 93114, MedGen C4302667, MONDO:0013758, OMIM 614455.
Charcot-Marie-Tooth disease. Also called: Charcot-Marie-Tooth Hereditary Neuropathy; Charcot-Marie-Tooth Neuropathy. Identifiers: Orphanet 166, MedGen C0007959, MONDO:0015626.

Submissions (2):

Labcorp Genetics (formerly Invitae), Labcorp
Classification: Pathogenic for Charcot-Marie-Tooth disease dominant intermediate E; Focal segmental glomerulosclerosis 5. Last evaluated: 2026-01-27. Review status: criteria provided, single submitter. Criteria: Invitae Variant Classification Sherloc (09022015). Collection method: clinical testing. Allele origin: germline.
Comment: This sequence change replaces glycine, which is neutral and non-polar, with aspartic acid, which is acidic and polar, at codon 114 of the INF2 protein (p.Gly114Asp). This variant is not present in population databases (gnomAD no frequency). This missense change has been observed in individual(s) with clinical features of INF2-related conditionss (PMID: 24174593, 25943269, 31515790; internal data). In at least one individual the variant was observed to be de novo. ClinVar contains an entry for this variant (Variation ID: 637704). Invitae Evidence Modeling of protein sequence and biophysical properties (such as structural, functional, and spatial information, amino acid conservation, physicochemical variation, residue mobility, and thermodynamic stability) indicates that this missense variant is expected to disrupt INF2 protein function with a positive predictive value of 95%. For these reasons, this variant has been classified as Pathogenic.

Inherited Neuropathy Consortium
Classification: Uncertain significance for Charcot-Marie-Tooth disease. Review status: no assertion criteria provided. Collection method: literature only. Allele origin: germline. Affected: yes. Not counted in ClinVar's aggregate classification.

Literature cited by the submitters: PubMed 24174593 (cited by Labcorp Genetics (formerly Invitae), Labcorp and Inherited Neuropathy Consortium); PubMed 25943269 (cited by Labcorp Genetics (formerly Invitae), Labcorp); PubMed 31515790 (cited by Labcorp Genetics (formerly Invitae), Labcorp).